The following is an entry in ClinVar:

ClinVar aggregate classification (germline): Pathogenic (1 of 4 stars; one submission).

Submission:

Institute of Human Genetics, University of Leipzig Medical Center
Classification: Pathogenic. Last evaluated: 2022-05-22. Review status: criteria provided, single submitter. Criteria: ACMG Guidelines, 2015. Collection method: research. Allele origin: germline. Affected: yes.
Comment: The variant was identified as homozygous. Criteria applied: PVS1, PM2_Supporting, PM3_Supporting

Literature cited by the submitters: DOI doi.org/10.1101/2022.04.04.22273309.

NM_003622.4(PPFIBP1):c.2158+2T>C

Gene: PPFIBP1 (PPFIA binding protein 1; plus strand). Cytogenetic location: 12p11.22.
Variant type: single nucleotide variant.
Coding change: c.2158+2T>C on transcript NM_003622.4 (MANE Select); the canonical splice donor site of the intron after coding-DNA position 2158, T replaced by C.
Molecular consequence: splice donor variant.
Genome position (GRCh38, 1-based): chr12:27,682,500, T>C. VCF-style: chr12-27682500-T-C. GRCh37 (hg19) VCF-style: chr12-27835433-T-C.
Other names: c.2176+2T>C (NM_177444.3); c.2083+2T>C (NM_001198916.2); c.1717+2T>C (NM_001198915.2).
Identifiers: ClinVar variation 1691862 (VCV001691862.1), dbSNP rs1593356841, ClinGen allele CA384192190.